The following is an entry in ClinVar:

ClinVar aggregate classification (germline): Uncertain significance. Review status: criteria provided, multiple submitters, no conflicts (2 of 4 stars). 2 submissions from 2 submitters: Uncertain significance (2). Last evaluated 2025-04-15.

Conditions:
Developmental delay, impaired speech, and behavioral abnormalities. Identifiers: MedGen C5561957, MONDO:0859178, OMIM 619475.
Inborn genetic diseases. Identifiers: MedGen C0950123, MeSH D030342.

Submissions (2):

Dasa
Classification: Uncertain significance for developmental delay, impaired speech, and behavioral abnormalities. Last evaluated: 2025-04-15. Review status: criteria provided, single submitter. Criteria: DASA Assertion Criteria. Collection method: clinical testing. Allele origin: germline.
Comment: NM_003128.3(SPTBN1):c.2310C>A (p.Ser770Arg) is a missense variant that results in the substitution of serine with arginine. This variant is absent from population databases. Computational prediction algorithms are consistent with a benign effect. The currently available literature and clinical evidence are not sufficient to establish a definitive association between this variant and the reported condition. Therefore, this variant is classified as a variant of uncertain significance.

Ambry Genetics
Classification: Uncertain significance for Inborn genetic diseases. Last evaluated: 2024-11-24. Review status: criteria provided, single submitter. Criteria: Ambry Variant Classification Scheme 2023. Collection method: clinical testing. Allele origin: germline.

NM_003128.3(SPTBN1):c.2310C>A (p.Ser770Arg)

Gene: SPTBN1 (spectrin beta, non-erythrocytic 1; plus strand). Cytogenetic location: 2p16.2.
Variant type: single nucleotide variant.
Coding change: c.2310C>A on transcript NM_003128.3 (MANE Select); coding-DNA position 2310, C replaced by A.
Protein change: p.Ser770Arg; replaces serine 770 with arginine.
Molecular consequence: missense variant.
Genome position (GRCh38, 1-based): chr2:54,629,444, C>A. VCF-style: chr2-54629444-C-A. GRCh37 (hg19) VCF-style: chr2-54856581-C-A.
Other names: c.2271C>A, p.Ser757Arg (NM_178313.3); short protein forms S757R, S770R.
Identifiers: ClinVar variation 3448990 (VCV003448990.3).
Genomic context (GRCh38, chr2:54,629,444, plus strand): 5'-GGCAGATGCTGATGACATTGATGCCTGGATGCTGGACATCCTCAAGATTGTCTCCAGCAG[C>A]GACGTGGGCCACGATGAGTATTCCACACAGTCTCTGGTCAAGAAACACAAGGACGTGGCG-3'
Protein context (NP_003119.2, residues 760-780): MLDILKIVSS[Ser770Arg]DVGHDEYSTQ